The following is an entry in ClinVar:

ClinVar aggregate classification (germline): Likely benign. Review status: criteria provided, multiple submitters, no conflicts (2 of 4 stars). 2 submissions from 2 submitters: Likely benign (2). Last evaluated 2024-08-01.

Conditions:
Juvenile polyposis syndrome (JPS). Identifiers: Orphanet 2929, MedGen C0345893, MONDO:0017380, OMIM 174900.
Hereditary cancer-predisposing syndrome. Also called: Hereditary Cancer Syndrome; Neoplastic Syndromes, Hereditary; Tumor predisposition; Hereditary neoplastic syndrome. Identifiers: Orphanet 140162, MedGen C0027672, MeSH D009386, MONDO:0015356.

Allele frequency attached by ClinVar (database versions not stated): TOPMed below 0.00001.

Submissions (2):

Myriad Genetics, Inc.
Classification: Likely benign for Juvenile polyposis syndrome. Last evaluated: 2024-08-01. Review status: criteria provided, single submitter. Criteria: Myriad Autosomal Dominant, Autosomal Recessive and X-Linked Classification Criteria (2023). Collection method: clinical testing. Allele origin: unknown.
Comment: This variant is considered likely benign. This variant is intronic and is not expected to impact mRNA splicing.

Color Diagnostics, LLC DBA Color Health
Classification: Likely benign for Hereditary cancer-predisposing syndrome. Last evaluated: 2017-11-30. Review status: criteria provided, single submitter. Criteria: ACMG Guidelines, 2015. Collection method: clinical testing. Allele origin: germline.

NM_004329.3(BMPR1A):c.530+8_530+10del

Gene: BMPR1A (bone morphogenetic protein receptor type 1A; plus strand). Cytogenetic location: 10q23.2.
Variant type: Deletion.
Coding change: c.530+8_530+10del on transcript NM_004329.3 (MANE Select); bases 8 to 10 of the intron after coding-DNA position 530, 3 bases deleted (GAT; older notation c.530+8_530+10delGAT).
Molecular consequence: intron variant.
Genome position (GRCh38, 1-based): chr10:86,900,134-86,900,136, GAT deleted. VCF-style (leftmost placement, unchanged base first): chr10-86900133-AGAT-A. GRCh37 (hg19) VCF-style: chr10-88659890-AGAT-A.
Other names: c.530+8_530+10delGAT (NM_004329.2).
Identifiers: ClinVar variation 630915 (VCV000630915.3), dbSNP rs1564717965, ClinGen allele CA913188304.